The following is an entry in ClinVar:

ClinVar aggregate classification (germline): Uncertain significance (1 of 4 stars; one submission).

Conditions:
Myofibrillar myopathy 5. Also called: Filaminopathy (type); FILAMINOPATHY, AUTOSOMAL DOMINANT. Identifiers: Orphanet 171445, MedGen C1836050, MONDO:0012289, OMIM 609524.
Hypertrophic cardiomyopathy 26. Also called: Cardiomyopathy, familial hypertrophic, 26. Identifiers: Orphanet 75249, MedGen C4310749, MONDO:0014883, OMIM 617047.
Distal myopathy with posterior leg and anterior hand involvement. Also called: WILLIAMS DISTAL MYOPATHY. Identifiers: Orphanet 63273, MedGen C3279722, MONDO:0013550, OMIM 614065.

Submission:

Labcorp Genetics (formerly Invitae), Labcorp
Classification: Uncertain significance for Distal myopathy with posterior leg and anterior hand involvement; Myofibrillar myopathy 5; Hypertrophic cardiomyopathy 26. Last evaluated: 2019-07-24. Review status: criteria provided, single submitter. Criteria: Invitae Variant Classification Sherloc (09022015). Collection method: clinical testing. Allele origin: germline.
Comment: In summary, the available evidence is currently insufficient to determine the role of this variant in disease. Therefore, it has been classified as a Variant of Uncertain Significance. This sequence change replaces valine with alanine at codon 571 of the FLNC protein (p.Val571Ala). The valine residue is weakly conserved and there is a small physicochemical difference between valine and alanine. This variant is not present in population databases (ExAC no frequency). This variant has not been reported in the literature in individuals with FLNC-related conditions. Algorithms developed to predict the effect of missense changes on protein structure and function output the following: SIFT: "Tolerated"; PolyPhen-2: "Benign"; Align-GVGD: "Class C0". The alanine amino acid residue is found in multiple mammalian species, suggesting that this missense change does not adversely affect protein function. These predictions have not been confirmed by published functional studies and their clinical significance is uncertain.

NM_001458.5(FLNC):c.1712T>C (p.Val571Ala)

Gene: FLNC (filamin C; plus strand). Cytogenetic location: 7q32.1.
Variant type: single nucleotide variant.
Coding change: c.1712T>C on transcript NM_001458.5 (MANE Select); coding-DNA position 1712, T replaced by C.
Protein change: p.Val571Ala; replaces valine 571 with alanine.
Molecular consequence: missense variant.
Genome position (GRCh38, 1-based): chr7:128,840,869, T>C. VCF-style: chr7-128840869-T-C. GRCh37 (hg19) VCF-style: chr7-128480923-T-C.
Other names: c.1712T>C, p.Val571Ala (NM_001127487.2); short protein forms V571A.
Identifiers: ClinVar variation 937628 (VCV000937628.10), dbSNP rs750817835, ClinGen allele CA369226917.